The following is an entry in ClinVar:

ClinVar aggregate classification (germline): Uncertain significance (1 of 4 stars; one submission).

Submission:

Dasa
Classification: Uncertain significance. Last evaluated: 2025-10-29. Review status: criteria provided, single submitter. Criteria: DASA Assertion Criteria. Collection method: clinical testing. Allele origin: germline.
Comment: NM_006078.5(CACNG2):c.383A>T (p.Tyr128Phe) is a missense variant that results in the substitution of tyrosine with phenylalanine. This variant is absent from population databases. Computational prediction algorithms are consistent with a deleterious effect. The currently available literature and clinical evidence are not sufficient to establish a definitive association between this variant and the reported condition. Therefore, this variant is classified as a variant of uncertain significance.

NM_006078.5(CACNG2):c.383A>T (p.Tyr128Phe)

Gene: CACNG2 (calcium voltage-gated channel auxiliary subunit gamma 2; minus strand). Cytogenetic location: 22q12.3.
Variant type: single nucleotide variant.
Coding change: c.383A>T on transcript NM_006078.5 (MANE Select); coding-DNA position 383, A replaced by T.
Protein change: p.Tyr128Phe; replaces tyrosine 128 with phenylalanine.
Molecular consequence: missense variant. On other transcripts: non-coding transcript variant (1).
Genome position (GRCh38, 1-based): chr22:36,566,406, T>A on the plus strand (A>T on the coding strand, the complement: CACNG2 is on the minus strand). VCF-style: chr22-36566406-T-A. GRCh37 (hg19) VCF-style: chr22-36962453-T-A.
Other names: c.314A>T, p.Tyr105Phe (NM_001379051.1); short protein forms Y105F, Y128F.
Identifiers: ClinVar variation 4886211 (VCV004886211.2).
Genomic context (GRCh38, chr22:36,566,406, plus strand): 5'-CTGTTACCTGCAGACACGAAGAAGATGCCGGCACTCAGGATGATGTTGTGTCGAGTTTTG[T>A]AGAACTCGCTGGCTGCGATGCAGAGGCCACCCATGAAAAGCAGAATCACACTCAGGATTG-3'
Protein context (NP_006069.1, residues 118-138): GGLCIAASEF[Tyr128Phe]KTRHNIILSA